The following is an entry in ClinVar:

ClinVar aggregate classification (germline): Benign/Likely benign. Review status: criteria provided, single submitter (1 of 4 stars). 2 submissions from 1 submitter: Benign (1); Likely benign (1). Last evaluated 2018-01-13.

Conditions:
Amyotrophic lateral sclerosis type 4 (ALS4). Also called: AMYOTROPHIC LATERAL SCLEROSIS 4, JUVENILE; NEURONOPATHY, DISTAL HEREDITARY MOTOR, WITH PYRAMIDAL FEATURES. Identifiers: Orphanet 357043, MedGen C1865409, MONDO:0011223, OMIM 602433.
Spinocerebellar ataxia, autosomal recessive, with axonal neuropathy 2 (SCAN2). Also called: ATAXIA-OCULOMOTOR APRAXIA 2; Ataxia-ocular apraxia-2; Ataxia with Oculomotor Apraxia; Ataxia with Oculomotor Apraxia Type 2. Identifiers: Orphanet 64753, MedGen C1853761, MONDO:0018996, OMIM 606002.

Allele frequency attached by ClinVar (database versions not stated): gnomAD 0.00156 and 0.00164; TOPMed 0.00167; 1000 Genomes Project 30x 0.00203; 1000 Genomes Project 0.00220.

Submissions (2):

Illumina Laboratory Services, Illumina
Classification: Likely benign for Spinocerebellar ataxia, autosomal recessive, with axonal neuropathy 2. Last evaluated: 2018-01-13. Review status: criteria provided, single submitter. Criteria: ICSL Variant Classification Criteria 13 December 2019. Collection method: clinical testing. Allele origin: germline.
Comment: This variant was observed in the ICSL laboratory as part of a predisposition screen in an ostensibly healthy population. It had not been previously curated by ICSL or reported in the Human Gene Mutation Database (HGMD: prior to June 1st, 2018), and was therefore a candidate for classification through an automated scoring system. Utilizing variant allele frequency, disease prevalence and penetrance estimates, and inheritance mode, an automated score was calculated to assess if this variant is too frequent to cause the disease. Based on the score and internal cut-off values, a variant classified as likely benign is not then subjected to further curation. The score for this variant resulted in a classification of likely benign for this disease.

Illumina Laboratory Services, Illumina
Classification: Benign for Amyotrophic lateral sclerosis type 4. Last evaluated: 2018-01-13. Review status: criteria provided, single submitter. Criteria: ICSL Variant Classification Criteria 13 December 2019. Collection method: clinical testing. Allele origin: germline.
Comment: This variant was observed in the ICSL laboratory as part of a predisposition screen in an ostensibly healthy population. It had not been previously curated by ICSL or reported in the Human Gene Mutation Database (HGMD: prior to June 1st, 2018), and was therefore a candidate for classification through an automated scoring system. Utilizing variant allele frequency, disease prevalence and penetrance estimates, and inheritance mode, an automated score was calculated to assess if this variant is too frequent to cause the disease. Based on the score and internal cut-off values, a variant classified as benign is not then subjected to further curation. The score for this variant resulted in a classification of benign for this disease.

NM_015046.7(SETX):c.*905A>G

Gene: SETX (senataxin; minus strand). Cytogenetic location: 9q34.13.
Variant type: single nucleotide variant.
Coding change: c.*905A>G on transcript NM_015046.7 (MANE Select); 905 bases downstream of the stop codon, A replaced by G.
Molecular consequence: 3 prime UTR variant.
Genome position (GRCh38, 1-based): chr9:132,263,334, T>C on the plus strand (A>G on the coding strand, the complement: SETX is on the minus strand). VCF-style: chr9-132263334-T-C. GRCh37 (hg19) VCF-style: chr9-135138721-T-C.
Other names: c.*905A>G (NM_001351527.2, NM_001351528.2).
Identifiers: ClinVar variation 365323 (VCV000365323.5), dbSNP rs58327306, ClinGen allele CA10629203.